The following is an entry in ClinVar:

ClinVar aggregate classification (germline): Pathogenic. Review status: criteria provided, single submitter (1 of 4 stars). 2 submissions from 2 submitters: Pathogenic (1). 1 of the submissions does not count toward it. Last evaluated 2025-03-04.

Conditions:
Familial adenomatous polyposis 1 (FAP1). Also called: POLYPOSIS, ADENOMATOUS INTESTINAL; FAMILIAL ADENOMATOUS POLYPOSIS 1, ATTENUATED. Identifiers: MedGen C2713442, MONDO:0021056, OMIM 175100. Disease mechanism: loss of function.

Submissions (2):

Molecular Pathology, Peter Maccallum Cancer Centre
Classification: Pathogenic for Familial adenomatous polyposis 1. Last evaluated: 2025-03-04. Review status: criteria provided, single submitter. Criteria: ACMG Guidelines, 2015. Collection method: clinical testing. Allele origin: germline. Inheritance: Autosomal dominant inheritance.

Department of Pathology and Laboratory Medicine, Sinai Health System
Classification: Pathogenic. Review status: no assertion criteria provided. Collection method: clinical testing. Allele origin: unknown. Affected: yes. Observed: 1 variant allele. Study: The Canadian Open Genetics Repository (COGR). Not counted in ClinVar's aggregate classification.
Comment: The p.Try158LeufsX10 variant has been previously identified in the literature in 1 of 46 proband chromosomes from an individual with familial adenomatous polyposis (FAP). However, no controls were tested to establish the frequency of the variant in the general population (Cowie_2004_15300853). It has not been reported in the dbSNP, LOVD or UMD databases. This variant is predicted to cause a frameshift, which alters the protein's amino acid sequence beginning at codon 158 and leads to a premature stop codon 10 codons downstream. This alteration is then predicted to result in a truncated or absent protein and loss of function. Loss of function variants of the APC gene are an established mechanism of disease for familial adenomatous polyposis. In summary, based on the above information, this variant meets our criteria to be classified as pathogenic.

NM_000038.6(APC):c.472dup (p.Tyr158fs)

Gene: APC (APC regulator of Wnt signaling pathway; plus strand). Cytogenetic location: 5q22.2.
Variant type: Duplication.
Coding change: c.472dup on transcript NM_000038.6 (MANE Select); coding-DNA position 472, one base duplicated (T; older notation c.472dupT).
Protein change: p.Tyr158fs; shifts the reading frame from tyrosine 158.
Molecular consequence: frameshift variant. On other transcripts: 5 prime UTR variant (1).
Genome position (GRCh38, 1-based): chr5:112,775,678, T duplicated. VCF-style (leftmost placement, unchanged base first): chr5-112775677-G-GT. GRCh37 (hg19) VCF-style: chr5-112111374-G-GT.
Other names: c.472dupT (NM_000038.5); c.472dup, p.Tyr158fs (NM_001127510.3, NM_001354895.2, NM_001354896.2 and 2 more transcripts); c.502dup, p.Tyr168fs (NM_001127511.3, NM_001354897.2, NM_001354902.2); c.397dup, p.Tyr133fs (NM_001354898.2, NM_001354904.2); c.295dup, p.Tyr99fs (NM_001354900.2, NM_001354901.2, NM_001354905.2); c.-564dup (NM_001354906.2); short protein forms Y158fs, Y168fs, Y133fs, Y99fs.
Identifiers: ClinVar variation 433602 (VCV000433602.3), dbSNP rs1554071555, ClinGen allele CA645372774.